The following is an entry in ClinVar:

ClinVar aggregate classification (germline): Uncertain significance (1 of 4 stars; one submission).

Conditions:
Cardiovascular phenotype. Identifiers: MedGen CN230736.

Submission:

Ambry Genetics
Classification: Uncertain significance for Cardiovascular phenotype. Last evaluated: 2025-05-03. Review status: criteria provided, single submitter. Criteria: Ambry Variant Classification Scheme 2023. Collection method: clinical testing. Allele origin: germline.
Comment: The c.1229_1230delTG variant, located in coding exon 8 of the ABCC9 gene, results from a deletion of two nucleotides at nucleotide positions 1229 to 1230, causing a translational frameshift with a predicted alternate stop codon (p.L410Rfs*10). This alteration is expected to result in loss of function by premature protein truncation or nonsense-mediated mRNA decay. Although biallelic loss of function of ABCC9 has been associated with ABCC9-related neurodevelopmental myopathy syndrome, haploinsufficiency of ABCC9 has not been established as a mechanism of disease for ABCC9-related Cant&uacute; syndrome. Based on the supporting evidence, this variant is expected to be causative of ABCC9-related neurodevelopmental myopathy syndrome when present along with a second pathogenic variant on the other allele; however, its clinical significance for ABCC9-related Cant&uacute; syndrome is unclear.

NM_020297.4(ABCC9):c.1229_1230del (p.Leu410fs)

Gene: ABCC9 (ATP binding cassette subfamily C member 9; minus strand). Cytogenetic location: 12p12.1.
Variant type: Deletion.
Coding change: c.1229_1230del on transcript NM_020297.4 (MANE Select); coding-DNA positions 1229 to 1230, 2 bases deleted (TG; older notation c.1229_1230delTG).
Protein change: p.Leu410fs; shifts the reading frame from leucine 410.
Molecular consequence: frameshift variant.
Genome position (GRCh38, 1-based): chr12:21,910,247-21,910,248, CA deleted on the plus strand (TG on the coding strand, the reverse complement: ABCC9 is on the minus strand). VCF-style (leftmost placement, unchanged base first): chr12-21910246-CCA-C. GRCh37 (hg19) VCF-style: chr12-22063180-CCA-C.
Other names: c.1229_1230del, p.Leu410fs (NM_001377273.1, NM_005691.4); c.365_366del, p.Leu122fs (NM_001377274.1); short protein forms L122fs, L410fs.
Identifiers: ClinVar variation 3991648 (VCV003991648.1).
Genomic context (GRCh38, chr12:21,910,246, plus strand): 5'-ACAGGAACAAAAACCACATGAGTTGATTAGTTTCAATGGCGACTAAGTTGTTGATCTGCC[CCA>C]GAGTCATCTCCCCCATGGATAAGTTAGACGTAGAGAGCCTAAGGATTTTATTATAAATCA-3'